The following is an entry in ClinVar:

NM_001375524.1(TRRAP):c.9202A>G (p.Ile3068Val)

Gene: TRRAP (transformation/transcription domain associated protein; plus strand). Cytogenetic location: 7q22.1.
Variant type: single nucleotide variant.
Coding change: c.9202A>G on transcript NM_001375524.1 (MANE Select); coding-DNA position 9202, A replaced by G.
Protein change: p.Ile3068Val; replaces isoleucine 3068 with valine.
Molecular consequence: missense variant.
Genome position (GRCh38, 1-based): chr7:98,984,272, A>G. VCF-style: chr7-98984272-A-G. GRCh37 (hg19) VCF-style: chr7-98581895-A-G.
Other names: c.9127A>G (NM_003496.3); c.9214A>G, p.Ile3072Val (NM_001244580.2); c.9127A>G, p.Ile3043Val (NM_003496.4); short protein forms I3068V, I3043V, I3072V.
Identifiers: ClinVar variation 2166447 (VCV002166447.5), dbSNP rs765000508, ClinGen allele CA4361647.

ClinVar aggregate classification (germline): Uncertain significance. Review status: criteria provided, multiple submitters, no conflicts (2 of 4 stars). 2 submissions from 2 submitters: Uncertain significance (2). Last evaluated 2023-04-24.

Conditions:
TRRAP-related disorder. Also called: TRRAP-related condition.

Allele frequency attached by ClinVar (database versions not stated): gnomAD exomes below 0.00001; TOPMed below 0.00001; ExAC 0.00001.
gnomAD v4.1: 2 of 1,611,782 alleles (0.00012%); highest among the groups gnomAD compares: Admixed American, 0.0017%; no homozygotes.

Submissions (2):

PreventionGenetics, part of Exact Sciences
Classification: Uncertain significance for TRRAP-related condition. Last evaluated: 2023-04-24. Review status: criteria provided, single submitter. Criteria: ACMG Guidelines, 2015. Collection method: clinical testing. Allele origin: germline.
Comment: The TRRAP c.9127A>G variant is predicted to result in the amino acid substitution p.Ile3043Val. To our knowledge, this variant has not been reported in the literature. This variant is reported in 0.0030% of alleles in individuals of Latino descent in gnomAD. At this time, the clinical significance of this variant is uncertain due to the absence of conclusive functional and genetic evidence.

Labcorp Genetics (formerly Invitae), Labcorp
Classification: Uncertain significance. Last evaluated: 2022-08-09. Review status: criteria provided, single submitter. Criteria: Invitae Variant Classification Sherloc (09022015). Collection method: clinical testing. Allele origin: germline.
Comment: In summary, the available evidence is currently insufficient to determine the role of this variant in disease. Therefore, it has been classified as a Variant of Uncertain Significance. This sequence change replaces isoleucine, which is neutral and non-polar, with valine, which is neutral and non-polar, at codon 3043 of the TRRAP protein (p.Ile3043Val). This variant is present in population databases (rs765000508, gnomAD 0.003%). This variant has not been reported in the literature in individuals affected with TRRAP-related conditions. Algorithms developed to predict the effect of missense changes on protein structure and function (SIFT, PolyPhen-2, Align-GVGD) all suggest that this variant is likely to be tolerated.